The following is an entry in ClinVar:

ClinVar aggregate classification (germline): Conflicting classifications of pathogenicity. Review status: criteria provided, conflicting classifications (1 of 4 stars). 4 submissions from 4 submitters: Uncertain significance (3); Benign (1). Last evaluated 2025-09-27.

Conditions:
Hereditary nonpolyposis colorectal neoplasms. Identifiers: MedGen C0009405, MeSH D003123.
Hereditary cancer-predisposing syndrome. Also called: Hereditary Cancer Syndrome; Hereditary neoplastic syndrome; Neoplastic Syndromes, Hereditary; Tumor predisposition. Identifiers: Orphanet 140162, MedGen C0027672, MeSH D009386, MONDO:0015356.

gnomAD v4.1: 2 of 1,614,054 alleles (0.00012%); highest among the groups gnomAD compares: African/African-American, 0.0013%; no homozygotes.

Submissions (4):

Ambry Genetics
Classification: Uncertain significance for Hereditary cancer-predisposing syndrome. Last evaluated: 2025-09-27. Review status: criteria provided, single submitter. Criteria: Ambry Variant Classification Scheme 2023. Collection method: clinical testing. Allele origin: germline.
Comment: The p.P1086T variant (also known as c.3256C>A), located in coding exon 5 of the MSH6 gene, results from a C to A substitution at nucleotide position 3256. The proline at codon 1086 is replaced by threonine, an amino acid with highly similar properties. This amino acid position is not well conserved in available vertebrate species. In addition, this alteration is predicted to be tolerated by in silico analysis. Since supporting evidence is limited at this time, the clinical significance of this alteration remains unclear.

Labcorp Genetics (formerly Invitae), Labcorp
Classification: Benign for Hereditary nonpolyposis colorectal neoplasms. Last evaluated: 2025-07-21. Review status: criteria provided, single submitter. Criteria: Invitae Variant Classification Sherloc (09022015). Collection method: clinical testing. Allele origin: germline.

Quest Diagnostics Nichols Institute San Juan Capistrano
Classification: Uncertain significance. Last evaluated: 2025-06-13. Review status: criteria provided, single submitter. Criteria: Quest Diagnostics criteria. Collection method: clinical testing. Allele origin: unknown.
Comment: The MSH6 c.3256C>A (p.Pro1086Thr) variant has not been reported in individuals with MSH6-related conditions in the published literature. It also has not been reported in large, multi-ethnic general populations (Genome Aggregation Database). Analysis of this variant using bioinformatics tools for the prediction of the effect of amino acid changes on protein structure and function yielded predictions that this variant is benign. Based on the available information, we are unable to determine the clinical significance of this variant.

Color Diagnostics, LLC DBA Color Health
Classification: Uncertain significance for Hereditary cancer-predisposing syndrome. Last evaluated: 2023-04-20. Review status: criteria provided, single submitter. Criteria: ACMG Guidelines, 2015. Collection method: clinical testing. Allele origin: germline.
Comment: This missense variant replaces proline with threonine at codon 1086 of the MSH6 protein. Computational prediction suggests that this variant may not impact protein structure and function (internally defined REVEL score threshold <= 0.5, PMID: 27666373). To our knowledge, functional studies have not been reported for this variant. This variant has not been reported in individuals affected with MSH6-related disorders in the literature. This variant has not been identified in the general population by the Genome Aggregation Database (gnomAD). The available evidence is insufficient to determine the role of this variant in disease conclusively. Therefore, this variant is classified as a Variant of Uncertain Significance.

NM_000179.3(MSH6):c.3256C>A (p.Pro1086Thr)

Gene: MSH6 (mutS homolog 6; plus strand). Cytogenetic location: 2p16.3.
Variant type: single nucleotide variant.
Coding change: c.3256C>A on transcript NM_000179.3 (MANE Select); coding-DNA position 3256, C replaced by A.
Protein change: p.Pro1086Thr; replaces proline 1086 with threonine.
Molecular consequence: missense variant.
Genome position (GRCh38, 1-based): chr2:47,803,503, C>A. VCF-style: chr2-47803503-C-A. GRCh37 (hg19) VCF-style: chr2-48030642-C-A.
Other names: c.2866C>A, p.Pro956Thr (NM_001281492.2); c.2350C>A, p.Pro784Thr (NM_001281493.2, NM_001281494.2); short protein forms P1086T, P784T, P956T.
Identifiers: ClinVar variation 455243 (VCV000455243.22), dbSNP rs756108143, ClinGen allele CA346758130.
Genomic context (GRCh38, chr2:47,803,503, plus strand): 5'-TATAGTCGAGGGGGTGATGGTCCTATGTGTCGCCCAGTAATTCTGTTGCCGGAAGATACC[C>A]CCCCCTTCTTAGAGCTTAAAGGATCACGCCATCCTTGCATTACGAAGACTTTTTTTGGAG-3'
Protein context (NP_000170.1, residues 1076-1096): RPVILLPEDT[Pro1086Thr]PFLELKGSRH